The following is an entry in ClinVar:

ClinVar aggregate classification (germline): Uncertain significance (1 of 4 stars; one submission).

Conditions:
Hereditary pancreatitis (PCTT). Also called: PRSS1-Related Hereditary Pancreatitis; Hereditary chronic pancreatitis. Identifiers: Orphanet 676, MedGen C0238339, MONDO:0008185, OMIM 167800.

Submission:

Ambry Genetics
Classification: Uncertain significance for Hereditary pancreatitis. Last evaluated: 2022-08-06. Review status: criteria provided, single submitter. Criteria: Ambry Variant Classification Scheme 2023. Collection method: clinical testing. Allele origin: germline.
Comment: The p.D327E variant (also known as c.981T>G), located in coding exon 8 of the CPA1 gene, results from a T to G substitution at nucleotide position 981. The aspartic acid at codon 327 is replaced by glutamic acid, an amino acid with highly similar properties. This amino acid position is conserved. In addition, this alteration is predicted to be tolerated by in silico analysis. Since supporting evidence is limited at this time, the clinical significance of this alteration remains unclear.

NM_001868.4(CPA1):c.981T>G (p.Asp327Glu)

Gene: CPA1 (carboxypeptidase A1; plus strand). Cytogenetic location: 7q32.2.
Variant type: single nucleotide variant.
Coding change: c.981T>G on transcript NM_001868.4 (MANE Select); coding-DNA position 981, T replaced by G.
Protein change: p.Asp327Glu; replaces aspartic acid 327 with glutamic acid.
Molecular consequence: missense variant.
Genome position (GRCh38, 1-based): chr7:130,385,339, T>G. VCF-style: chr7-130385339-T-G. GRCh37 (hg19) VCF-style: chr7-130025180-T-G.
Other names: short protein forms D327E.
Identifiers: ClinVar variation 1768324 (VCV001768324.2), dbSNP rs2536012451, ClinGen allele CA369283946.